The following is an entry in ClinVar:

ClinVar aggregate classification (germline): Uncertain significance (1 of 4 stars; one submission).

Conditions:
Hereditary nonpolyposis colorectal neoplasms. Identifiers: MedGen C0009405, MeSH D003123.

Submission:

Labcorp Genetics (formerly Invitae), Labcorp
Classification: Uncertain significance for Hereditary nonpolyposis colorectal neoplasms. Last evaluated: 2025-02-20. Review status: criteria provided, single submitter. Criteria: Invitae Variant Classification Sherloc (09022015). Collection method: clinical testing. Allele origin: germline.
Comment: This variant, c.3927_3971dup, results in the insertion of 15 amino acid(s) of the MSH6 protein (p.Glu1310_Glu1324dup), but otherwise preserves the integrity of the reading frame. This variant is not present in population databases (gnomAD no frequency). This variant has not been reported in the literature in individuals affected with MSH6-related conditions. ClinVar contains an entry for this variant (Variation ID: 843141). Experimental studies and prediction algorithms are not available or were not evaluated, and the functional significance of this variant is currently unknown. In summary, the available evidence is currently insufficient to determine the role of this variant in disease. Therefore, it has been classified as a Variant of Uncertain Significance.

NM_000179.3(MSH6):c.3927_3971dup (p.Glu1310_Glu1324dup)

Gene: MSH6 (mutS homolog 6; plus strand). Cytogenetic location: 2p16.3.
Variant type: Duplication.
Coding change: c.3927_3971dup on transcript NM_000179.3 (MANE Select); coding-DNA positions 3927 to 3971, 45 bases duplicated.
Protein change: p.Glu1310_Glu1324dup.
Molecular consequence: inframe insertion.
Genome position (GRCh38, 1-based): chr2:47,806,577-47,806,621, 45 bases duplicated. GRCh37 (hg19): chr2:48,033,716-48,033,760.
Other names: c.3537_3581dup, p.Glu1180_Glu1194dup (NM_001281492.2); c.3021_3065dup, p.Glu1008_Glu1022dup (NM_001281493.2, NM_001281494.2).
Identifiers: ClinVar variation 843141 (VCV000843141.10), dbSNP rs1670126355, ClinGen allele CA916080293.
Genomic context (GRCh38, chr2:47,806,576, plus strand): 5'-TCATTAAGGGAGCTTGTCCTAAAAGCTATGGCTTTAATGCAGCAAGGCTTGCTAATCTCC[C>CAGAGGAAGTTATTCAAAAGGGACATAGAAAAGCAAGAGAATTTGA]AGAGGAAGTTATTCAAAAGGGACATAGAAAAGCAAGAGAATTTGAGAAGATGAATCAGTC-3'